The following is an entry in ClinVar:

ClinVar aggregate classification (germline): Uncertain significance (1 of 4 stars; one submission).

Submission:

GeneDx
Classification: Uncertain significance. Last evaluated: 2023-08-03. Review status: criteria provided, single submitter. Criteria: GeneDx Variant Classification Process June 2021. Collection method: clinical testing. Allele origin: germline. Affected: yes.
Comment: Not observed at significant frequency in large population cohorts (gnomAD); In silico analysis supports that this missense variant has a deleterious effect on protein structure/function; Has not been previously published as pathogenic or benign to our knowledge

NM_000618.5(IGF1):c.316G>A (p.Glu106Lys)

Genes: IGF1 (insulin like growth factor 1; minus strand), LINC02456 (long intergenic non-protein coding RNA 2456; plus strand). Cytogenetic location: 12q23.2.
Variant type: single nucleotide variant.
Coding change: c.316G>A on transcript NM_000618.5 (MANE Select); coding-DNA position 316, G replaced by A.
Protein change: p.Glu106Lys; replaces glutamic acid 106 with lysine.
Molecular consequence: missense variant.
Genome position (GRCh38, 1-based): chr12:102,419,595, C>T on the plus strand (G>A on the coding strand, the complement: IGF1 is on the minus strand). VCF-style: chr12-102419595-C-T. GRCh37 (hg19) VCF-style: chr12-102813373-C-T.
Other names: c.316G>A, p.Glu106Lys (NM_001111283.3, NM_001111285.3, NM_001414005.1 and 1 more transcripts); c.268G>A, p.Glu90Lys (NM_001111284.2, NM_001414006.1); short protein forms E106K, E90K.
Identifiers: ClinVar variation 1878955 (VCV001878955.3), dbSNP rs868530917, ClinGen allele CA242639183.